The following is an entry in ClinVar:

ClinVar aggregate classification (germline): Uncertain significance (1 of 4 stars; one submission).

Allele frequency attached by ClinVar (database versions not stated): gnomAD exomes below 0.00001.
gnomAD v4.1: 1 of 1,614,260 alleles (0.000062%); no homozygotes.

Submission:

Labcorp Genetics (formerly Invitae), Labcorp
Classification: Uncertain significance. Last evaluated: 2022-06-18. Review status: criteria provided, single submitter. Criteria: Invitae Variant Classification Sherloc (09022015). Collection method: clinical testing. Allele origin: germline.
Comment: Algorithms developed to predict the effect of missense changes on protein structure and function are either unavailable or do not agree on the potential impact of this missense change (SIFT: "Deleterious"; PolyPhen-2: "Probably Damaging"; Align-GVGD: "Class C0"). In summary, the available evidence is currently insufficient to determine the role of this variant in disease. Therefore, it has been classified as a Variant of Uncertain Significance. This variant has not been reported in the literature in individuals affected with COQ8B-related conditions. This variant is not present in population databases (gnomAD no frequency). This sequence change replaces methionine, which is neutral and non-polar, with isoleucine, which is neutral and non-polar, at codon 364 of the COQ8B protein (p.Met364Ile).

NM_024876.4(COQ8B):c.1092G>C (p.Met364Ile)

Gene: COQ8B (coenzyme Q8B; minus strand). Cytogenetic location: 19q13.2.
Variant type: single nucleotide variant.
Coding change: c.1092G>C on transcript NM_024876.4 (MANE Select); coding-DNA position 1092, G replaced by C.
Protein change: p.Met364Ile; replaces methionine 364 with isoleucine.
Molecular consequence: missense variant.
Genome position (GRCh38, 1-based): chr19:40,700,118, C>G on the plus strand (G>C on the coding strand, the complement: COQ8B is on the minus strand). VCF-style: chr19-40700118-C-G. GRCh37 (hg19) VCF-style: chr19-41206023-C-G.
Other names: c.969G>C, p.Met323Ile (NM_001142555.3); short protein forms M364I, M323I.
Identifiers: ClinVar variation 1938420 (VCV001938420.5), dbSNP rs2086304691, ClinGen allele CA405960209.